The following is an entry in ClinVar:

ClinVar aggregate classification (germline): Uncertain significance. Review status: criteria provided, multiple submitters, no conflicts (2 of 4 stars). 2 submissions from 2 submitters: Uncertain significance (2). Last evaluated 2026-01-17.

Conditions:
Autoinflammatory syndrome. Identifiers: Orphanet 93665, MedGen C3890737, MONDO:0019751.
Familial cold autoinflammatory syndrome 2 (FCAS2). Identifiers: Orphanet 247868, MedGen C2673198, MONDO:0012724, OMIM 611762.

gnomAD v4.1: 47 of 1,614,046 alleles (0.0029%); highest among the groups gnomAD compares: South Asian, 0.015%; no homozygotes.

Submissions (2):

Labcorp Genetics (formerly Invitae), Labcorp
Classification: Uncertain significance for Familial cold autoinflammatory syndrome 2. Last evaluated: 2026-01-17. Review status: criteria provided, single submitter. Criteria: Invitae Variant Classification Sherloc (09022015). Collection method: clinical testing. Allele origin: germline.
Comment: This sequence change replaces alanine, which is neutral and non-polar, with proline, which is neutral and non-polar, at codon 969 of the NLRP12 protein (p.Ala969Pro). This variant is present in population databases (rs754537076, gnomAD 0.03%). This missense change has been observed in individual(s) with NLRP12-related conditions (PMID: 33165748). ClinVar contains an entry for this variant (Variation ID: 1376777). An algorithm developed to predict the effect of missense changes on protein structure and function (PolyPhen-2) suggests that this variant is likely to be tolerated. In summary, the available evidence is currently insufficient to determine the role of this variant in disease. Therefore, it has been classified as a Variant of Uncertain Significance.

Genome Diagnostics Laboratory, The Hospital for Sick Children
Classification: Uncertain significance for Autoinflammatory syndrome. Last evaluated: 2016-12-12. Review status: criteria provided, single submitter. Criteria: ACMG Guidelines, 2015. Collection method: clinical testing. Allele origin: germline. Affected: yes.

Literature cited by the submitters: PubMed 33165748 (cited by Labcorp Genetics (formerly Invitae), Labcorp).

NM_144687.4(NLRP12):c.2905G>C (p.Ala969Pro)

Gene: NLRP12 (NLR family pyrin domain containing 12; minus strand). Cytogenetic location: 19q13.42.
Variant type: single nucleotide variant.
Coding change: c.2905G>C on transcript NM_144687.4 (MANE Select); coding-DNA position 2905, G replaced by C.
Protein change: p.Ala969Pro; replaces alanine 969 with proline.
Molecular consequence: missense variant. On other transcripts: intron variant (1).
Genome position (GRCh38, 1-based): chr19:53,798,265, C>G on the plus strand (G>C on the coding strand, the complement: NLRP12 is on the minus strand). VCF-style: chr19-53798265-C-G. GRCh37 (hg19) VCF-style: chr19-54301519-C-G.
Other names: c.2908G>C, p.Ala970Pro (NM_001277126.2); c.2757-2236G>C (NM_001277129.1); short protein forms A969P, A970P.
Identifiers: ClinVar variation 1376777 (VCV001376777.11), dbSNP rs754537076, ClinGen allele CA9638871.